The following is an entry in ClinVar:

ClinVar aggregate classification (germline): Uncertain significance (1 of 4 stars; one submission).

Submission:

Labcorp Genetics (formerly Invitae), Labcorp
Classification: Uncertain significance. Last evaluated: 2025-04-22. Review status: criteria provided, single submitter. Criteria: Invitae Variant Classification Sherloc (09022015). Collection method: clinical testing. Allele origin: germline.
Comment: This sequence change replaces arginine, which is basic and polar, with glutamine, which is neutral and polar, at codon 1188 of the LRP5 protein (p.Arg1188Gln). Information on the frequency of this variant in the gnomAD database is not available, as this variant may be reported differently in the database. This missense change has been observed in individual(s) with osteoporosis (PMID: 30283887). An algorithm developed to predict the effect of missense changes on protein structure and function (PolyPhen-2) suggests that this variant is likely to be disruptive. This variant disrupts the p.Arg1188 amino acid residue in LRP5. Other variant(s) that disrupt this residue have been determined to be pathogenic (PMID: 24706814, 37296477). This suggests that this residue is clinically significant, and that variants that disrupt this residue are likely to be disease-causing. In summary, the available evidence is currently insufficient to determine the role of this variant in disease. Therefore, it has been classified as a Variant of Uncertain Significance.

Literature cited by the submitters: PubMed 30283887; PubMed 24706814; PubMed 37296477.

NM_002335.4(LRP5):c.3563_3564delinsAA (p.Arg1188Gln)

Gene: LRP5 (LDL receptor related protein 5; plus strand). Cytogenetic location: 11q13.2.
Variant type: Indel.
Coding change: c.3563_3564delinsAA on transcript NM_002335.4 (MANE Select); coding-DNA positions 3563 to 3564, GG replaced by AA.
Protein change: p.Arg1188Gln; replaces arginine 1188 with glutamine.
Molecular consequence: missense variant.
Genome position (GRCh38, 1-based): chr11:68,426,113-68,426,114, GG replaced by AA. VCF-style: chr11-68426113-GG-AA. GRCh37 (hg19) VCF-style: chr11-68193581-GG-AA.
Other names: c.1820_1821delinsAA, p.Arg607Gln (NM_001291902.2); short protein forms R607Q, R1188Q.
Identifiers: ClinVar variation 4718149 (VCV004718149.1).